The following is an entry in ClinVar:

ClinVar aggregate classification (germline): Uncertain significance (1 of 4 stars; one submission).

Submission:

CeGaT Center for Human Genetics Tuebingen
Classification: Uncertain significance. Last evaluated: 2024-08-01. Review status: criteria provided, single submitter. Criteria: CeGaT Center For Human Genetics Tuebingen Variant Classification Criteria Version 2. Collection method: clinical testing. Allele origin: germline. Affected: yes. Observed: 1 variant allele.
Comment: MCM3AP: PM2

NM_003906.5(MCM3AP):c.1288T>C (p.Ser430Pro)

Gene: MCM3AP (minichromosome maintenance complex component 3 associated protein; minus strand). Cytogenetic location: 21q22.3.
Variant type: single nucleotide variant.
Coding change: c.1288T>C on transcript NM_003906.5 (MANE Select); coding-DNA position 1288, T replaced by C.
Protein change: p.Ser430Pro; replaces serine 430 with proline.
Molecular consequence: missense variant.
Genome position (GRCh38, 1-based): chr21:46,283,770, A>G on the plus strand (T>C on the coding strand, the complement: MCM3AP is on the minus strand). VCF-style: chr21-46283770-A-G. GRCh37 (hg19) VCF-style: chr21-47703684-A-G.
Other names: short protein forms S430P.
Identifiers: ClinVar variation 3342181 (VCV003342181.16).
Genomic context (GRCh38, chr21:46,283,770, plus strand): 5'-TCCTGTCGTTGAGGTAGTCAGGGATGTTCTTGCACTGGATGGCTGTGACTTCAGAGGGAG[A>G]CAAGCCCCCAAGACTGTCTGTGCTCTCGCTTCTGTTACTCTGACGCGCCGGAGTTCCTCT-3'
Protein context (NP_003897.2, residues 420-440): SESTDSLGGL[Ser430Pro]PSEVTAIQCK